The following is an entry in ClinVar:

Conditions:
Long QT syndrome 5 (LQT5). Identifiers: Orphanet 101016, Orphanet 768, MedGen C1867904, MONDO:0013372, OMIM 613695.

Submission:

Roden Lab, Vanderbilt University Medical Center
No classification provided (evidence only). Condition: Long QT syndrome 5. Review status: no classification provided. Collection method: in vitro. Allele origin: not applicable. Functional consequence: Effect on ion channel function.
ClinVar note: "not provided" was previously submitted as the classification for the variant. However, the classification appeared to be based only on an observation of functional data so it was converted to no classification on 2025-07-30.

NM_000219.6(KCNE1):c.301G>A (p.Glu101Lys)

Gene: KCNE1 (potassium voltage-gated channel subfamily E regulatory subunit 1; minus strand). Cytogenetic location: 21q22.12.
Variant type: single nucleotide variant.
Coding change: c.301G>A on transcript NM_000219.6 (MANE Select); coding-DNA position 301, G replaced by A.
Protein change: p.Glu101Lys; replaces glutamic acid 101 with lysine.
Molecular consequence: missense variant.
Genome position (GRCh38, 1-based): chr21:34,449,334, C>T on the plus strand (G>A on the coding strand, the complement: KCNE1 is on the minus strand). VCF-style: chr21-34449334-C-T. GRCh37 (hg19) VCF-style: chr21-35821632-C-T.
Other names: c.301G>A, p.Glu101Lys (NM_001127668.4, NM_001127669.4, NM_001127670.4 and 4 more transcripts); short protein forms E101K.
Identifiers: ClinVar variation 3374574 (VCV003374574.2).